The following is an entry in ClinVar:

ClinVar aggregate classification (germline): Likely pathogenic (1 of 4 stars; one submission).

Conditions:
Zellweger spectrum disorders (ZS). Also called: Zellweger Spectrum Disorder (ZSD); Zellweger syndrome; Zellweger Spectrum Disorder; Zellweger Spectrum. Identifiers: Orphanet 912, MedGen C0043459, MONDO:0019609.

Submission:

Natera, Inc.
Classification: Likely pathogenic for Zellweger syndrome. Last evaluated: 2024-10-29. Review status: criteria provided, single submitter. Criteria: Natera Variant Classification Schema (03/2026). Collection method: clinical testing. Allele origin: germline.
Comment: The c.836+1G>T variant in PEX10 is a canonical splice donor site variant predicted to affect pre-mRNA splicing, which may result in an abnormal transcript and altered protein product. This variant is expected to result in nonsense mediated decay, truncation, or a dysfunctional protein product. This variant is rare in the general population with a frequency below the threshold expected for the associated phenotype(s). Given the available evidence, this variant is classified as Likely Pathogenic.

NM_002617.4(PEX10):c.776+1G>T

Gene: PEX10 (peroxisomal biogenesis factor 10; minus strand). Cytogenetic location: 1p36.32.
Variant type: single nucleotide variant.
Coding change: c.776+1G>T on transcript NM_002617.4 (MANE Select); the canonical splice donor site of the intron after coding-DNA position 776, G replaced by T.
Molecular consequence: splice donor variant.
Genome position (GRCh38, 1-based): chr1:2,406,719, C>A on the plus strand (G>T on the coding strand, the complement: PEX10 is on the minus strand). VCF-style: chr1-2406719-C-A. GRCh37 (hg19) VCF-style: chr1-2338158-C-A.
Other names: c.344+1G>T (NM_001374427.1); c.401+1G>T (NM_001374426.1); c.833+1G>T (NM_001374425.1); c.836+1G>T (NM_153818.2).
Identifiers: ClinVar variation 4816953 (VCV004816953.1).